The following is an entry in ClinVar:

NM_001242882.2(NAXD):c.102T>A (p.Asn34Lys)

Gene: NAXD (NAD(P)HX dehydratase; plus strand). Cytogenetic location: 13q34.
Variant type: single nucleotide variant.
Coding change: c.102T>A on transcript NM_001242882.2 (MANE Select); coding-DNA position 102, T replaced by A.
Protein change: p.Asn34Lys; replaces asparagine 34 with lysine.
Molecular consequence: missense variant. On other transcripts: non-coding transcript variant (2), intron variant (1).
Genome position (GRCh38, 1-based): chr13:110,622,271, T>A. VCF-style: chr13-110622271-T-A. GRCh37 (hg19) VCF-style: chr13-111274618-T-A.
Other names: c.156T>A, p.Asn52Lys (NM_001242881.2, NM_018210.4); c.57-5168T>A (NM_001242883.2); c.156T>A (NM_018210.3); short protein forms N34K, N52K.
Identifiers: ClinVar variation 1644883 (VCV001644883.16), dbSNP rs35779668, ClinGen allele CA7051043.
Genomic context (GRCh38, chr13:110,622,271, plus strand): 5'-TTCAGTTTTAGAAAGAGCGTTTTCGCTACGTAAAGCACATTCGATAAAGGATATGGAAAA[T>A]ACTTTGCAGCTGGTGAGAAATATCATACCTCCTCTGTCTTCCACAAAGCACAAAGGGCAA-3'
Protein context (NP_001229811.1, residues 24-44): RKAHSIKDME[Asn34Lys]TLQLVRNIIP

ClinVar aggregate classification (germline): Benign/Likely benign. Review status: criteria provided, multiple submitters, no conflicts (2 of 4 stars). 5 submissions from 5 submitters: Benign (2); Likely benign (2). 1 of the submissions does not count toward it. Last evaluated 2026-02-01.

Conditions:
NAD(P)HX dehydratase deficiency. Also called: Encephalopathy, progressive, early-onset, with brain edema and/or leukoencephalopathy, 2. Identifiers: Orphanet 555402, MedGen C5193026, MONDO:0034121, OMIM 618321.
NAXD-related disorder. Also called: NAXD-related condition.

Allele frequency attached by ClinVar (database versions not stated): gnomAD exomes 0.00073; ExAC 0.00102; 1000 Genomes Project 30x 0.00297; 1000 Genomes Project 0.00300; gnomAD 0.00324 and 0.00352; TOPMed 0.00331; ESP Exome Variant Server 0.00346.

Submissions (5):

CeGaT Center for Human Genetics Tuebingen
Classification: Likely benign. Last evaluated: 2026-02-01. Review status: criteria provided, single submitter. Criteria: CeGaT Center For Human Genetics Tuebingen Variant Classification Criteria Version 2. Collection method: clinical testing. Allele origin: germline. Affected: yes. Observed: 1 variant allele.
Comment: NAXD: BP4, BS1

Labcorp Genetics (formerly Invitae), Labcorp
Classification: Benign. Last evaluated: 2025-11-11. Review status: criteria provided, single submitter. Criteria: Invitae Variant Classification Sherloc (09022015). Collection method: clinical testing. Allele origin: germline.

Fulgent Genetics
Classification: Likely benign for NAD(P)HX dehydratase deficiency. Last evaluated: 2022-02-15. Review status: criteria provided, single submitter. Criteria: ACMG Guidelines, 2015. Collection method: clinical testing. Allele origin: unknown.

Breakthrough Genomics
Classification: Benign. Review status: criteria provided, single submitter. Criteria: ACMG Guidelines, 2015. Collection method: not provided. Allele origin: germline. Inheritance: Autosomal recessive inheritance. Affected: yes.

PreventionGenetics, part of Exact Sciences
Classification: Benign for NAXD-related condition. Last evaluated: 2019-12-18. Review status: no assertion criteria provided. Collection method: clinical testing. Allele origin: germline. Not counted in ClinVar's aggregate classification.
Comment: This variant is classified as benign based on ACMG/AMP sequence variant interpretation guidelines (Richards et al. 2015 PMID: 25741868, with internal and published modifications).